The following is an entry in ClinVar:

NM_000548.5(TSC2):c.4948T>C (p.Tyr1650His)

Gene: TSC2 (TSC complex subunit 2; plus strand). Cytogenetic location: 16p13.3.
Variant type: single nucleotide variant.
Coding change: c.4948T>C on transcript NM_000548.5 (MANE Select); coding-DNA position 4948, T replaced by C.
Protein change: p.Tyr1650His; replaces tyrosine 1650 with histidine.
Molecular consequence: missense variant. On other transcripts: non-coding transcript variant (5).
Genome position (GRCh38, 1-based): chr16:2,086,830, T>C. VCF-style: chr16-2086830-T-C. GRCh37 (hg19) VCF-style: chr16-2136831-T-C.
Other names: c.4747T>C, p.Tyr1583His (NM_001077183.3); c.4879T>C, p.Tyr1627His (NM_001114382.3); c.4639T>C, p.Tyr1547His (NM_001318827.2); c.4603T>C, p.Tyr1535His (NM_001318829.2); c.4216T>C, p.Tyr1406His (NM_001318831.2); c.4780T>C, p.Tyr1594His (NM_001318832.2); c.4750T>C, p.Tyr1584His (NM_001363528.2); c.4816T>C, p.Tyr1606His (NM_001370404.1); and 26 more; short protein forms Y1135H, Y1406H, Y1450H, Y1534H, Y1547H, Y1577H, Y1584H, Y1594H.
Identifiers: ClinVar variation 3637256 (VCV003637256.2).

ClinVar aggregate classification (germline): Uncertain significance (1 of 4 stars; one submission).

Conditions:
Tuberous sclerosis 2 (TSC2). Identifiers: Orphanet 805, MedGen C1860707, MONDO:0013199, OMIM 613254.

Submission:

Labcorp Genetics (formerly Invitae), Labcorp
Classification: Uncertain significance for Tuberous sclerosis 2. Last evaluated: 2025-10-21. Review status: criteria provided, single submitter. Criteria: Invitae Variant Classification Sherloc (09022015). Collection method: clinical testing. Allele origin: germline.
Comment: This sequence change replaces tyrosine, which is neutral and polar, with histidine, which is basic and polar, at codon 1650 of the TSC2 protein (p.Tyr1650His). This variant is not present in population databases (gnomAD no frequency). This missense change has been observed in individual(s) with tuberous sclerosis complex (internal data). ClinVar contains an entry for this variant (Variation ID: 3637256). Invitae Evidence Modeling of protein sequence and biophysical properties (such as structural, functional, and spatial information, amino acid conservation, physicochemical variation, residue mobility, and thermodynamic stability) has been performed for this missense variant. However, the output from this modeling did not meet the statistical confidence thresholds required to predict the impact of this variant on TSC2 protein function. In summary, the available evidence is currently insufficient to determine the role of this variant in disease. Therefore, it has been classified as a Variant of Uncertain Significance.